The following is an entry in ClinVar:

ClinVar aggregate classification (germline): Uncertain significance. Review status: criteria provided, multiple submitters, no conflicts (2 of 4 stars). 3 submissions from 3 submitters: Uncertain significance (3). Last evaluated 2025-04-24.

Allele frequency attached by ClinVar (database versions not stated): ExAC 0.00001; gnomAD exomes 0.00001 and 0.00003; TOPMed 0.00001.
gnomAD v4.1: 39 of 1,614,120 alleles (0.0024%); highest among the groups gnomAD compares: South Asian, 0.0066%; 1 homozygote.

Submissions (3):

Ambry Genetics
Classification: Uncertain significance. Last evaluated: 2025-04-24. Review status: criteria provided, single submitter. Criteria: Ambry Variant Classification Scheme 2023. Collection method: clinical testing. Allele origin: germline.

Blueprint Genetics
Classification: Uncertain significance. Last evaluated: 2022-08-30. Review status: criteria provided, single submitter. Criteria: ACMG Guidelines, 2015. Collection method: clinical testing. Allele origin: germline.

Labcorp Genetics (formerly Invitae), Labcorp
Classification: Uncertain significance. Last evaluated: 2021-06-06. Review status: criteria provided, single submitter. Criteria: Invitae Variant Classification Sherloc (09022015). Collection method: clinical testing. Allele origin: germline.
Comment: This sequence change replaces glutamic acid with lysine at codon 193 of the RDH11 protein (p.Glu193Lys). The glutamic acid residue is moderately conserved and there is a small physicochemical difference between glutamic acid and lysine. This variant is present in population databases (rs778523948, ExAC 0.001%). This variant has not been reported in the literature in individuals with RDH11-related conditions. Algorithms developed to predict the effect of missense changes on protein structure and function are either unavailable or do not agree on the potential impact of this missense change (SIFT: "Tolerated"; PolyPhen-2: "Possibly Damaging"; Align-GVGD: "Class C0"). In summary, the available evidence is currently insufficient to determine the role of this variant in disease. Therefore, it has been classified as a Variant of Uncertain Significance.

NM_016026.4(RDH11):c.577G>A (p.Glu193Lys)

Genes: GPHN (gephyrin; plus strand), RDH11 (retinol dehydrogenase 11; minus strand). Cytogenetic location: 14q24.1.
Variant type: single nucleotide variant.
Coding change: c.577G>A on transcript NM_016026.4 (MANE Select); coding-DNA position 577, G replaced by A.
Protein change: p.Glu193Lys; replaces glutamic acid 193 with lysine.
Molecular consequence: missense variant. On other transcripts: intron variant (1).
Genome position (GRCh38, 1-based): chr14:67,690,299, C>T on the plus strand (G>A on the coding strand, the complement: RDH11 is on the minus strand). VCF-style: chr14-67690299-C-T. GRCh37 (hg19) VCF-style: chr14-68157016-C-T.
Other names: c.454+841G>A (NM_001252650.2); c.577G>A (NM_016026.3); short protein forms E193K.
Identifiers: ClinVar variation 1490642 (VCV001490642.10), dbSNP rs778523948, ClinGen allele CA7238358.